The following is an entry in ClinVar:

ClinVar aggregate classification (germline): Uncertain significance. Review status: criteria provided, multiple submitters, no conflicts (2 of 4 stars). 2 submissions from 2 submitters: Uncertain significance (2). Last evaluated 2026-05-26.

Allele frequency attached by ClinVar (database versions not stated): ExAC 0.00001; gnomAD exomes 0.00001 and below 0.00001; TOPMed 0.00001.
gnomAD v4.1: 2 of 1,613,606 alleles (0.00012%); highest among the groups gnomAD compares: Admixed American, 0.0033%; no homozygotes.

Submissions (2):

Ambry Genetics
Classification: Uncertain significance. Last evaluated: 2026-05-26. Review status: criteria provided, single submitter. Criteria: Ambry Variant Classification Scheme 2023. Collection method: clinical testing. Allele origin: germline.

Labcorp Genetics (formerly Invitae), Labcorp
Classification: Uncertain significance. Last evaluated: 2021-04-12. Review status: criteria provided, single submitter. Criteria: Invitae Variant Classification Sherloc (09022015). Collection method: clinical testing. Allele origin: germline.
Comment: In summary, the available evidence is currently insufficient to determine the role of this variant in disease. Therefore, it has been classified as a Variant of Uncertain Significance. Algorithms developed to predict the effect of missense changes on protein structure and function output the following: SIFT: "Not Available"; PolyPhen-2: "Benign"; Align-GVGD: "Not Available". The alanine amino acid residue is found in multiple mammalian species, suggesting that this missense change does not adversely affect protein function. These predictions have not been confirmed by published functional studies and their clinical significance is uncertain. This variant has not been reported in the literature in individuals with SLC44A4-related conditions. This variant is present in population databases (rs757668013, ExAC 0.009%). This sequence change replaces threonine with alanine at codon 185 of the SLC44A4 protein (p.Thr185Ala). There is a small physicochemical difference between threonine and alanine.

NM_025257.3(SLC44A4):c.553A>G (p.Thr185Ala)

Gene: SLC44A4 (solute carrier family 44 member 4; minus strand). Cytogenetic location: 6p21.33.
Variant type: single nucleotide variant.
Coding change: c.553A>G on transcript NM_025257.3 (MANE Select); coding-DNA position 553, A replaced by G.
Protein change: p.Thr185Ala; replaces threonine 185 with alanine.
Molecular consequence: missense variant.
Genome position (GRCh38, 1-based): chr6:31,871,538, T>C on the plus strand (A>G on the coding strand, the complement: SLC44A4 is on the minus strand). VCF-style: chr6-31871538-T-C. GRCh37 (hg19) VCF-style: chr6-31839315-T-C.
Other names: c.427A>G, p.Thr143Ala (NM_001178044.2); c.325A>G, p.Thr109Ala (NM_001178045.2); c.553A>G (NM_025257.2); short protein forms T109A, T185A, T143A.
Identifiers: ClinVar variation 1368893 (VCV001368893.7), dbSNP rs757668013, ClinGen allele CA3725654.